The following is an entry in ClinVar:

ClinVar aggregate classification (germline): Uncertain significance. Review status: criteria provided, multiple submitters, no conflicts (2 of 4 stars). 2 submissions from 2 submitters: Uncertain significance (2). Last evaluated 2023-11-01.

Conditions:
Hereditary cancer-predisposing syndrome. Also called: Neoplastic Syndromes, Hereditary; Tumor predisposition; Hereditary Cancer Syndrome; Hereditary neoplastic syndrome. Identifiers: Orphanet 140162, MedGen C0027672, MeSH D009386, MONDO:0015356.
Facial dysmorphism-immunodeficiency-livedo-short stature syndrome. Also called: Facial dysmorphism, immunodeficiency, livedo, and short stature; FILS syndrome. Identifiers: Orphanet 352712, MedGen C3554576, MONDO:0014058, OMIM 615139.
Colorectal cancer, susceptibility to, 12 (CRCS12). Also called: COLORECTAL CANCER, SUSCEPTIBILITY TO, ON CHROMOSOME 12q24. Identifiers: Orphanet 220460, MedGen C3554460, MONDO:0014038, OMIM 615083.

Allele frequency attached by ClinVar (database versions not stated): gnomAD exomes below 0.00001; ExAC 0.00001.

Submissions (2):

Ambry Genetics
Classification: Uncertain significance for Hereditary cancer-predisposing syndrome. Last evaluated: 2023-11-01. Review status: criteria provided, single submitter. Criteria: Ambry Variant Classification Scheme 2023. Collection method: clinical testing. Allele origin: germline.
Comment: The p.M1406T variant (also known as c.4217T>C), located in coding exon 33 of the POLE gene, results from a T to C substitution at nucleotide position 4217. The methionine at codon 1406 is replaced by threonine, an amino acid with similar properties. This amino acid position is conserved. In addition, this alteration is predicted to be tolerated by in silico analysis. Since supporting evidence is limited at this time, the clinical significance of this alteration remains unclear.

Labcorp Genetics (formerly Invitae), Labcorp
Classification: Uncertain significance. Last evaluated: 2023-04-14. Review status: criteria provided, single submitter. Criteria: Invitae Variant Classification Sherloc (09022015). Collection method: clinical testing. Allele origin: germline.
Comment: In summary, the available evidence is currently insufficient to determine the role of this variant in disease. Therefore, it has been classified as a Variant of Uncertain Significance. Advanced modeling of protein sequence and biophysical properties (such as structural, functional, and spatial information, amino acid conservation, physicochemical variation, residue mobility, and thermodynamic stability) performed at Invitae indicates that this missense variant is not expected to disrupt POLE protein function. ClinVar contains an entry for this variant (Variation ID: 473654). This variant has not been reported in the literature in individuals affected with POLE-related conditions. This variant is present in population databases (rs749250454, gnomAD 0.0009%). This sequence change replaces methionine, which is neutral and non-polar, with threonine, which is neutral and polar, at codon 1406 of the POLE protein (p.Met1406Thr).

NM_006231.4(POLE):c.4217T>C (p.Met1406Thr)

Gene: POLE (DNA polymerase epsilon, catalytic subunit; minus strand). Cytogenetic location: 12q24.33.
Variant type: single nucleotide variant.
Coding change: c.4217T>C on transcript NM_006231.4 (MANE Select); coding-DNA position 4217, T replaced by C.
Protein change: p.Met1406Thr; replaces methionine 1406 with threonine.
Molecular consequence: missense variant.
Genome position (GRCh38, 1-based): chr12:132,643,910, A>G on the plus strand (T>C on the coding strand, the complement: POLE is on the minus strand). VCF-style: chr12-132643910-A-G. GRCh37 (hg19) VCF-style: chr12-133220496-A-G.
Other names: short protein forms M1406T.
Identifiers: ClinVar variation 473654 (VCV000473654.11), dbSNP rs749250454, ClinGen allele CA6892940.